The following is an entry in ClinVar:

ClinVar aggregate classification (germline): Benign. Review status: criteria provided, multiple submitters, no conflicts (2 of 4 stars). 6 submissions from 6 submitters: Benign (5). 1 of the submissions does not count toward it. Last evaluated 2026-02-03.

Conditions:
Epidermolysis bullosa simplex. Also called: Epidermolysis bullosa simplex, Weber-Cockayne type (subtype); Epidermolysis bullosa simplex, Dowling-Meara type (subtype); Epidermolysis bullosa simplex with mottled pigmentation (subtype). Identifiers: Orphanet 304, MedGen C0079298, MONDO:0017610.

Allele frequency attached by ClinVar (database versions not stated): gnomAD exomes 0.13073 and 0.13250; 1000 Genomes Project 0.12879; gnomAD 0.15185 and 0.14771; ESP Exome Variant Server 0.15123; 1000 Genomes Project 30x 0.13086; ExAC 0.13440; TOPMed 0.15387.
gnomAD v4.1: 213,871 of 1,611,946 alleles (13%); highest among the groups gnomAD compares: Middle Eastern, 19%; 15,023 homozygotes.

Submissions (6):

Labcorp Genetics (formerly Invitae), Labcorp
Classification: Benign. Last evaluated: 2026-02-03. Review status: criteria provided, single submitter. Criteria: Invitae Variant Classification Sherloc (09022015). Collection method: clinical testing. Allele origin: germline.

Illumina Laboratory Services, Illumina
Classification: Benign for Epidermolysis bullosa simplex. Last evaluated: 2018-01-13. Review status: criteria provided, single submitter. Criteria: ICSL Variant Classification Criteria 13 December 2019. Collection method: clinical testing. Allele origin: germline.
Comment: This variant was observed in the ICSL laboratory as part of a predisposition screen in an ostensibly healthy population. It had not been previously curated by ICSL or reported in the Human Gene Mutation Database (HGMD: prior to June 1st, 2018), and was therefore a candidate for classification through an automated scoring system. Utilizing variant allele frequency, disease prevalence and penetrance estimates, and inheritance mode, an automated score was calculated to assess if this variant is too frequent to cause the disease. Based on the score and internal cut-off values, a variant classified as benign is not then subjected to further curation. The score for this variant resulted in a classification of benign for this disease.

GeneDx
Classification: Benign. Last evaluated: 2015-03-03. Review status: criteria provided, single submitter. Criteria: GeneDx Variant Classification Process June 2021. Collection method: clinical testing. Allele origin: germline. Affected: yes.

Breakthrough Genomics
Classification: Benign. Review status: criteria provided, single submitter. Criteria: ACMG Guidelines, 2015. Collection method: not provided. Allele origin: germline. Inheritance: Autosomal recessive inheritance. Affected: yes.

PreventionGenetics, part of Exact Sciences
Classification: Benign. Review status: criteria provided, single submitter. Criteria: ACMG Guidelines, 2015. Collection method: clinical testing. Allele origin: germline.

Epithelial Biology;  Institute of Medical Biology, Singapore
No classification provided. Review status: no classification provided. Collection method: not provided. Allele origin: not provided. Not counted in ClinVar's aggregate classification.

NM_000424.4(KRT5):c.1627G>A (p.Gly543Ser)

Gene: KRT5 (keratin 5; minus strand). Cytogenetic location: 12q13.13.
Variant type: single nucleotide variant.
Coding change: c.1627G>A on transcript NM_000424.4 (MANE Select); coding-DNA position 1627, G replaced by A.
Protein change: p.Gly543Ser; replaces glycine 543 with serine.
Molecular consequence: missense variant.
Genome position (GRCh38, 1-based): chr12:52,515,088, C>T on the plus strand (G>A on the coding strand, the complement: KRT5 is on the minus strand). VCF-style: chr12-52515088-C-T. GRCh37 (hg19) VCF-style: chr12-52908872-C-T.
Other names: short protein forms G543S.
Identifiers: ClinVar variation 66224 (VCV000066224.15), dbSNP rs11549949, ClinGen allele CA216687.